The following is an entry in ClinVar:

NM_005422.4(TECTA):c.3329C>T (p.Thr1110Ile)

Genes: TBCEL-TECTA (TBCEL-TECTA readthrough; plus strand), TECTA (tectorin alpha; plus strand). Cytogenetic location: 11q23.3.
Variant type: single nucleotide variant.
Coding change: c.3329C>T on transcript NM_005422.4 (MANE Select); coding-DNA position 3329, C replaced by T.
Protein change: p.Thr1110Ile; replaces threonine 1110 with isoleucine.
Molecular consequence: missense variant.
Genome position (GRCh38, 1-based): chr11:121,137,808, C>T. VCF-style: chr11-121137808-C-T. GRCh37 (hg19) VCF-style: chr11-121008517-C-T.
Other names: c.3329C>T (NM_005422.2); c.4286C>T, p.Thr1429Ile (NM_001378761.1); short protein forms T1429I, T1110I.
Identifiers: ClinVar variation 2065044 (VCV002065044.8), dbSNP rs560247815, ClinGen allele CA6327191.

ClinVar aggregate classification (germline): Conflicting classifications of pathogenicity. Review status: criteria provided, conflicting classifications (1 of 4 stars). 4 submissions from 4 submitters: Uncertain significance (3); Likely benign (1). Last evaluated 2026-06-28.

Conditions:
TECTA-related disorder. Also called: TECTA-related condition.

Allele frequency attached by ClinVar (database versions not stated): gnomAD 0.00002; TOPMed 0.00009; ExAC 0.00014; 1000 Genomes Project 0.00020; 1000 Genomes Project 30x 0.00031.
gnomAD v4.1: 38 of 1,612,422 alleles (0.0024%); highest among the groups gnomAD compares: Admixed American, 0.06%; no homozygotes.

Submissions (4):

GeneDx
Classification: Uncertain significance. Last evaluated: 2026-06-28. Review status: criteria provided, single submitter. Criteria: GeneDx Variant Classification Process June 2021. Collection method: clinical testing. Allele origin: germline.
Comment: In silico analysis supports that this missense variant has a deleterious effect on protein structure/function; Has not been previously published as pathogenic or benign to our knowledge; This variant is associated with the following publications: (PMID: 21520338, 31554319, 9590290)

Women's Health and Genetics/Laboratory Corporation of America, LabCorp
Classification: Uncertain significance. Last evaluated: 2026-04-13. Review status: criteria provided, single submitter. Criteria: LabCorp Variant Classification Summary - May 2015. Collection method: clinical testing. Allele origin: germline.
Comment: Variant summary: TECTA c.3329C>T (p.Thr1110Ile) results in a non-conservative amino acid change in the encoded protein sequence. Algorithms developed to predict the effect of missense changes on protein structure and function all suggest that this variant is likely to be disruptive. The variant allele was found at a frequency of 0.00014 in 250806 control chromosomes. This frequency is not significantly higher than estimated for disease-causing variants in TECTA, allowing no conclusion about variant significance. To our knowledge, no occurrence of c.3329C>T in individuals affected with TECTA-related conditions and no experimental evidence demonstrating its impact on protein function have been reported. ClinVar contains an entry for this variant (Variation ID: 2065044). Based on the evidence outlined above, the variant was classified as uncertain significance.

Labcorp Genetics (formerly Invitae), Labcorp
Classification: Likely benign. Last evaluated: 2026-01-01. Review status: criteria provided, single submitter. Criteria: Invitae Variant Classification Sherloc (09022015). Collection method: clinical testing. Allele origin: germline.

PreventionGenetics, part of Exact Sciences
Classification: Uncertain significance for TECTA-related condition. Last evaluated: 2025-10-06. Review status: criteria provided, single submitter. Criteria: ACMG Guidelines, 2015. Collection method: clinical testing. Allele origin: germline.
Comment: The TECTA c.3329C>T variant is predicted to result in the amino acid substitution p.Thr1110Ile. To our knowledge, this variant has not been reported in the literature. This variant is reported in 0.10% of alleles in individuals of Latino descent in gnomAD. Although we suspect that this variant may be benign, at this time, the clinical significance of this variant is uncertain due to the absence of conclusive functional and genetic evidence.